The following is an entry in ClinVar:

ClinVar aggregate classification (germline): Uncertain significance (1 of 4 stars; one submission).

Conditions:
PKD1-related disorder. Also called: PKD1-related condition.

Submission:

PreventionGenetics, part of Exact Sciences
Classification: Uncertain significance for PKD1-related condition. Last evaluated: 2024-12-27. Review status: criteria provided, single submitter. Criteria: ACMG Guidelines, 2015. Collection method: clinical testing. Allele origin: germline.
Comment: The PKD1 c.9577C>T variant is predicted to result in the amino acid substitution p.Pro3193Ser. This variant has been reported in an individual with polycystic kidney disease (Table S1, Cornec-Le Gall et al. 2013. PubMed ID: 23431072). This variant has not been reported in a large population database (gnomAD), indicating this variant is rare. An alternate substitution at this amino acid position (Leu) has been reported in patients with autosomal dominant polycystic kidney disease (Table S5, Audrézet et al. 2012. PubMed ID: 22508176; Table S1, Cornec-Le Gall et al. 2013. PubMed ID: 23431072; Table S2; Jin et al. 2016. PubMed ID: 27782177). Although we suspect that this variant may be pathogenic, at this time, the clinical significance of this variant is uncertain due to the absence of conclusive functional and genetic evidence.

NM_001009944.3(PKD1):c.9577C>T (p.Pro3193Ser)

Gene: PKD1 (polycystin 1, transient receptor potential channel interacting; minus strand). Cytogenetic location: 16p13.3.
Variant type: single nucleotide variant.
Coding change: c.9577C>T on transcript NM_001009944.3 (MANE Select); coding-DNA position 9577, C replaced by T.
Protein change: p.Pro3193Ser; replaces proline 3193 with serine.
Molecular consequence: missense variant.
Genome position (GRCh38, 1-based): chr16:2,100,301, G>A on the plus strand (C>T on the coding strand, the complement: PKD1 is on the minus strand). VCF-style: chr16-2100301-G-A. GRCh37 (hg19) VCF-style: chr16-2150302-G-A.
Other names: c.9577C>T, p.Pro3193Ser (NM_000296.4); short protein forms P3193S.
Identifiers: ClinVar variation 4999458 (VCV004999458.1).